The following is an entry in ClinVar:

ClinVar aggregate classification (germline): Benign (1 of 4 stars; one submission).

Submission:

GeneDx
Classification: Benign. Last evaluated: 2018-06-14. Review status: criteria provided, single submitter. Criteria: GeneDx Variant Classification (06012015). Collection method: clinical testing. Allele origin: germline. Affected: yes.
Comment: This variant is considered likely benign or benign based on one or more of the following criteria: it is a conservative change, it occurs at a poorly conserved position in the protein, it is predicted to be benign by multiple in silico algorithms, and/or has population frequency not consistent with disease.

NM_020381.4(PDSS2):c.877-294dup

Gene: PDSS2 (decaprenyl diphosphate synthase subunit 2; minus strand). Cytogenetic location: 6q21.
Variant type: Duplication.
Coding change: c.877-294dup on transcript NM_020381.4 (MANE Select); 294 bases into the intron before coding-DNA position 877, one base duplicated (C; older notation c.877-294dupC).
Molecular consequence: intron variant.
Genome position (GRCh38, 1-based): chr6:107,210,857, G duplicated on the plus strand (C on the coding strand, the reverse complement: PDSS2 is on the minus strand); the first of 8 consecutive G bases (chr6:107,210,857-107,210,864); duplicating any one gives the same sequence. VCF-style (leftmost placement, unchanged base first): chr6-107210856-T-TG. GRCh37 (hg19) VCF-style: chr6-107532060-T-TG.
Identifiers: ClinVar variation 671540 (VCV000671540.1), dbSNP rs34209518, ClinGen allele CA145597813.